The following is an entry in ClinVar:

NM_032634.4(PIGO):c.2889G>C (p.Leu963=)

Gene: PIGO (phosphatidylinositol glycan anchor biosynthesis class O; minus strand). Cytogenetic location: 9p13.3.
Variant type: single nucleotide variant.
Coding change: c.2889G>C on transcript NM_032634.4 (MANE Select); coding-DNA position 2889, G replaced by C.
Protein change: p.Leu963=; no amino-acid change (leucine 963 retained).
Molecular consequence: synonymous variant.
Genome position (GRCh38, 1-based): chr9:35,090,246, C>G on the plus strand (G>C on the coding strand, the complement: PIGO is on the minus strand). VCF-style: chr9-35090246-C-G. GRCh37 (hg19) VCF-style: chr9-35090243-C-G.
Other names: c.1638G>C, p.Leu546= (NM_001201484.2, NM_152850.4).
Identifiers: ClinVar variation 391320 (VCV000391320.5), dbSNP rs959471469, ClinGen allele CA16605851.

ClinVar aggregate classification (germline): Likely benign. Review status: criteria provided, multiple submitters, no conflicts (2 of 4 stars). 2 submissions from 2 submitters: Likely benign (2). Last evaluated 2024-02-17.

Conditions:
Hyperphosphatasia with impaired intellectual development syndrome 2. Also called: GLYCOSYLPHOSPHATIDYLINOSITOL BIOSYNTHESIS DEFECT 6; Hyperphosphatasia with intellectual disability syndrome 2. Identifiers: Orphanet 247262, MedGen C3553637, MONDO:0013882, OMIM 614749.

Allele frequency attached by ClinVar (database versions not stated): gnomAD 0.00003 and 0.00002; TOPMed 0.00003.
gnomAD v4.1: 22 of 1,614,048 alleles (0.0014%); highest among the groups gnomAD compares: Non-Finnish European, 0.0019%; no homozygotes.

Submissions (2):

Labcorp Genetics (formerly Invitae), Labcorp
Classification: Likely benign for Hyperphosphatasia with impaired intellectual development syndrome 2. Last evaluated: 2024-02-17. Review status: criteria provided, single submitter. Criteria: Invitae Variant Classification Sherloc (09022015). Collection method: clinical testing. Allele origin: germline.

GeneDx
Classification: Likely benign. Last evaluated: 2016-12-01. Review status: criteria provided, single submitter. Criteria: GeneDx Variant Classification (06012015). Collection method: clinical testing. Allele origin: germline. Affected: yes.
Comment: This variant is considered likely benign or benign based on one or more of the following criteria: it is a conservative change, it occurs at a poorly conserved position in the protein, it is predicted to be benign by multiple in silico algorithms, and/or has population frequency not consistent with disease.